The following is an entry in ClinVar:

ClinVar aggregate classification (germline): Likely benign. Review status: criteria provided, multiple submitters, no conflicts (2 of 4 stars). 4 submissions from 4 submitters: Likely benign (4). Last evaluated 2026-01-19.

Conditions:
RYR1-related disorder. Also called: RYR1-related condition; RYR1-related disorders. Identifiers: MedGen CN239331.
Malignant hyperthermia, susceptibility to, 1 (MHS1). Also called: Malignant hyperthermia suceptibility 1; Anesthesia related hyperthermia; Malignant hyperpyrexia; Fulminating hyperpyrexia; Pharmacogenic myopathy; RYR1-Related Malignant Hyperthermia Susceptibility. Identifiers: Orphanet 423, MedGen C2930980, MONDO:0007783, OMIM 145600.

Allele frequency attached by ClinVar (database versions not stated): gnomAD exomes below 0.00001; ExAC 0.00001; gnomAD 0.00002 and 0.00003; TOPMed 0.00006.
gnomAD v4.1: 12 of 1,613,968 alleles (0.00074%); highest among the groups gnomAD compares: Admixed American, 0.0083%; no homozygotes.

Submissions (4):

Labcorp Genetics (formerly Invitae), Labcorp
Classification: Likely benign for RYR1-related disorder. Last evaluated: 2026-01-19. Review status: criteria provided, single submitter. Criteria: Invitae Variant Classification Sherloc (09022015). Collection method: clinical testing. Allele origin: germline.

All of Us Research Program, National Institutes of Health
Classification: Likely benign for Malignant hyperthermia, susceptibility to, 1. Last evaluated: 2024-02-05. Review status: criteria provided, single submitter. Criteria: ACMG Guidelines, 2015. Collection method: clinical testing. Allele origin: germline. Inheritance: Autosomal dominant inheritance. Observed: 10 variant alleles, 10 heterozygotes.
Comment: This study involves interpretation of variants in research participants for the purpose of population health screening. Participant phenotype was not available at the time of variant classification. Additional details can be found in publication PMID: 35346344, PMCID: PMC8962531

Color Diagnostics, LLC DBA Color Health
Classification: Likely benign for Malignant hyperthermia, susceptibility to, 1. Last evaluated: 2022-11-06. Review status: criteria provided, single submitter. Criteria: ACMG Guidelines, 2015. Collection method: clinical testing. Allele origin: germline.

Blueprint Genetics
Classification: Likely benign. Last evaluated: 2021-10-13. Review status: criteria provided, single submitter. Criteria: ACMG Guidelines, 2015. Collection method: clinical testing. Allele origin: germline.

NM_000540.3(RYR1):c.6183C>T (p.Ser2061=)

Gene: RYR1 (ryanodine receptor 1; plus strand). Cytogenetic location: 19q13.2.
Variant type: single nucleotide variant.
Coding change: c.6183C>T on transcript NM_000540.3 (MANE Select); coding-DNA position 6183, C replaced by T.
Protein change: p.Ser2061=; no amino-acid change (serine 2061 retained).
Molecular consequence: synonymous variant.
Genome position (GRCh38, 1-based): chr19:38,492,545, C>T. VCF-style: chr19-38492545-C-T. GRCh37 (hg19) VCF-style: chr19-38983185-C-T.
Other names: c.6183C>T, p.Ser2061= (NM_001042723.2).
Identifiers: ClinVar variation 1111444 (VCV001111444.12), dbSNP rs753252394, ClinGen allele CA067857.